The following is an entry in ClinVar:

ClinVar aggregate classification (germline): Pathogenic. Review status: criteria provided, multiple submitters, no conflicts (2 of 4 stars). 16 submissions from 16 submitters: Pathogenic (16). Last evaluated 2026-01-28.

Conditions:
Cardiomyopathy (CMYO). Also called: Cardiomyopathies. Identifiers: Orphanet 167848, MedGen C0878544, MONDO:0004994, HP:0001638. Inheritance: Various modes of inheritance.
Arrhythmogenic right ventricular dysplasia 9 (ARVD9). Also called: ARRHYTHMOGENIC RIGHT VENTRICULAR DYSPLASIA, FAMILIAL, 9; Arrhythmogenic Right Ventricular Dysplasia/Cardiomyopathy 9. Identifiers: MedGen C1836906, MONDO:0012180, OMIM 609040.
PKP2-related disorder. Also called: PKP2-related condition.
Cardiovascular phenotype. Identifiers: MedGen CN230736.
Familial isolated arrhythmogenic right ventricular dysplasia. Identifiers: Orphanet 217656, MedGen C4274968, MONDO:0016342.
Arrhythmogenic right ventricular cardiomyopathy (ARVD). Also called: Arrhythmogenic cardiomyopathy; Arrhythmogenic Right Ventricular Cardiomyopathy (ARVC); Cardiomyopathy, ARVC; Arrhythmogenic right ventricular dysplasia. Identifiers: Orphanet 247, MedGen C0349788, MeSH D019571, MONDO:0016587. Disease mechanism: loss of function. Inheritance: Various modes of inheritance.

Submissions 1 to 7 of 16:

Labcorp Genetics (formerly Invitae), Labcorp
Classification: Pathogenic for Arrhythmogenic right ventricular dysplasia 9. Last evaluated: 2026-01-28. Review status: criteria provided, single submitter. Criteria: Invitae Variant Classification Sherloc (09022015). Collection method: clinical testing. Allele origin: germline.
Comment: This sequence change creates a premature translational stop signal (p.Gly548Valfs*15) in the PKP2 gene. It is expected to result in an absent or disrupted protein product. Loss-of-function variants in PKP2 are known to be pathogenic (PMID: 15489853, 17041889, 23911551). This variant is not present in population databases (gnomAD no frequency). This premature translational stop signal has been observed in individual(s) with arrythmogenic right ventricular cardiomyopathy (PMID: 15489853, 17010805, 20031617, 20400443, 24070718, 24704780, 24967631). This variant is also known as c.1642delG. ClinVar contains an entry for this variant (Variation ID: 202035). For these reasons, this variant has been classified as Pathogenic.

Victorian Clinical Genetics Services, Murdoch Childrens Research Institute
Classification: Pathogenic for Arrhythmogenic right ventricular dysplasia 9. Last evaluated: 2024-10-10. Review status: criteria provided, single submitter. Criteria: ACMG Guidelines, 2015. Collection method: clinical testing. Allele origin: germline. Inheritance: Autosomal dominant inheritance. Affected: yes.
Comment: Based on the classification scheme VCGS_Germline_v1.3.5, this variant is classified as Pathogenic. Following criteria are met: 0102 - Loss of function is a known mechanism of disease in this gene and is associated with arrhythmogenic right ventricular dysplasia 9 (ARVD9; MIM#609040). (I) 0107 - This gene is associated with autosomal dominant disease. (I) 0112 - The condition associated with this gene has incomplete penetrance (PMID: 17010805, 23183494). (I) 0115 - Variants in this gene are known to have variable expressivity (PMID: 17010805, 23183494). (I) 0201 - Variant is predicted to cause nonsense-mediated decay (NMD) and loss of protein (premature termination codon is located at least 54 nucleotides upstream of the final exon-exon junction). (SP) 0251 - This variant is heterozygous. (I) 0302 - Variant is present in gnomAD (v4) <0.001 for a dominant condition (8 heterozygotes, 0 homozygotes). (SP) 0701 - Other NMD-predicted variants comparable to the one identified in this case have very strong previous evidence for pathogenicity (DECIPHER). (SP) 0801 - This variant has strong previous evidence of pathogenicity in unrelated individuals. It has been reported as pathogenic by many clinical laboratories and identified in individuals with ARVD (ClinVar; PMID: 36008935). (I) Legend: (SP) - Supporting pathogenic, (I) - Information, (SB) - Supporting benign

Ambry Genetics
Classification: Pathogenic for Cardiovascular phenotype. Last evaluated: 2024-09-13. Review status: criteria provided, single submitter. Criteria: Ambry Variant Classification Scheme 2023. Collection method: clinical testing. Allele origin: germline.
Comment: The c.1643delG pathogenic mutation, located in coding exon 7 of the PKP2 gene, results from a deletion of one nucleotide at nucleotide position 1643, causing a translational frameshift with a predicted alternate stop codon (p.G548Vfs*15). This alteration has been described in multiple patients with arrhythmogenic right ventricular cardiomyopathy (ARVC) (Gerull B et al. Nat Genet. 2004;36(11):1162-4; Xu T et al. J Am Coll Cardiol. 2010;55(6):587-97; Fressart V et al. Europace. 2010;12(6):861-8; te Riele AS et al. J Am Coll Cardiol. 2013;62(19):1761-9; Perrin MJ et al. J Am Coll Cardiol. 2013;62(19):1772-9; Alcalde M et al. PLoS ONE. 2014;9(6):e100560). In one study, this alteration was described to co-segregate with ARVC in two siblings; however, additional relatives with this alteration in the same family exhibited either absent or limited clinical phenotype suggesting reduced penetrance (Dalal D et al. J Am Coll Cardiol. 2006;48(7):1416-24). This variant is considered to be rare based on population cohorts in the Genome Aggregation Database (gnomAD). In addition to the clinical data presented in the literature, this alteration is expected to result in loss of function by premature protein truncation or nonsense-mediated mRNA decay. As such, this alteration is interpreted as a disease-causing mutation.

All of Us Research Program, National Institutes of Health
Classification: Pathogenic for Arrhythmogenic right ventricular cardiomyopathy. Last evaluated: 2024-08-07. Review status: criteria provided, single submitter. Criteria: ACMG Guidelines, 2015. Collection method: clinical testing. Allele origin: germline. Inheritance: Autosomal dominant inheritance. Observed: 2 variant alleles, 2 heterozygotes.
Comment: The c.1643del (p.Gly548Valfs*15) variant in the PKP2 gene is located on the exon 7 and is predicted to cause reading frame shift that introduces a premature translation termination codon (p.Gly548Valfs*15), resulting in an absent or disrupted protein product. The variant has been reported in multiple individuals with arrhythmogenic right ventricular dysplasia/cardiomyopathy (PMID: 32102357, 34134068, 35712781, 33652588, 20031617, 24967631, 29606362). Loss-of-function variants in PKP2 are known to be pathogenic and frameshift/truncating variants located upstream and downstream to this position have been reported in individuals with arrhythmogenic right ventricular dysplasia/cardiomyopathy (PMID: 15489853, 24704780). The variant is reported in ClinVar as pathogenic (ID: 202035). The variant is absent in the general population database (gnomAD). Therefore, the c.1643del (p.Gly548Valfs*15) variant of PKP2 has been classified as pathogenic.

This study involves interpretation of variants in research participants for the purpose of population health screening. Participant phenotype was not available at the time of variant classification. Additional details can be found in publication PMID: 35346344, PMCID: PMC8962531

North West Genomic Laboratory Hub, Manchester University NHS Foundation Trust
Classification: Pathogenic for Arrhythmogenic right ventricular dysplasia 9. Last evaluated: 2023-11-22. Review status: criteria provided, single submitter. Criteria: ACGS Best Practice Guidelines for Variant Classification in Rare Disease 2020. Collection method: clinical testing. Allele origin: germline. Affected: yes.
Comment: PS4_Str PVS1_VStr

Illumina Laboratory Services, Illumina
Classification: Pathogenic for Arrhythmogenic right ventricular dysplasia 9. Last evaluated: 2023-11-08. Review status: criteria provided, single submitter. Criteria: ICSLVariantClassificationCriteria RUGD 01 April 2020. Collection method: clinical testing. Allele origin: unknown.
Comment: The PKP2 c.1511del p.(Gly504ValfsTer15) variant causes a shift in the protein reading frame that is predicted to result in premature termination of the protein. Loss of normal protein function through either protein truncation or nonsense-mediated decay is expected. The c.1511del variant, also referred to as c.1643del p.(Gly548ValfsTer15), has been identified in individuals with either a suspected or definitive diagnosis of arrhythmogenic right ventricular cardiomyopathy (PMID: 15489853; 17010805; 31386562; 35819174; 36136372). This variant is reported in the Genome Aggregation Database in three alleles at a frequency of 0.00004 in the African/African American population (version 4.0.0). This variant has been classified as pathogenic by at least three submitters in ClinVar. Based on the available evidence, the c.1511del p.(Gly504ValfsTer15) variant is classified as pathogenic for arrhythmogenic right ventricular cardiomyopathy.

GeneDx
Classification: Pathogenic. Last evaluated: 2023-05-01. Review status: criteria provided, single submitter. Criteria: GeneDx Variant Classification Process June 2021. Collection method: clinical testing. Allele origin: germline. Affected: yes.
Comment: Not observed at significant frequency in large population cohorts (gnomAD); Frameshift variant predicted to result in protein truncation or nonsense mediated decay in a gene for which loss-of-function is a known mechanism of disease; This variant is associated with the following publications: (PMID: 15489853, 20857253, 28097316, 20400443, 23810883, 21723241, 20031617, 19358943, 20152563, 24070718, 17010805, 26850880, 29606362, 24704780, 24967631, 30790397, 32155531, 30535908, 31702781, 30161220, 32102357, 31447099, 31402444, 32372669, 31386562, 29940860, 35819174, 34120153, 34134068, 23810894, 28588093)

NM_001005242.3(PKP2):c.1511del (p.Gly504fs)

Gene: PKP2 (plakophilin 2; minus strand). Cytogenetic location: 12p11.21.
Variant type: Deletion.
Coding change: c.1511del on transcript NM_001005242.3 (MANE Select); coding-DNA position 1511, one base deleted (G; older notation c.1511delG).
Protein change: p.Gly504fs; shifts the reading frame from glycine 504.
Molecular consequence: frameshift variant.
Genome position (GRCh38, 1-based): chr12:32,841,073, C deleted on the plus strand (G on the coding strand, the reverse complement: PKP2 is on the minus strand); the first of 2 consecutive C bases (chr12:32,841,073-32,841,074); deleting either gives the same sequence. VCF-style (leftmost placement, unchanged base first): chr12-32841072-AC-A. GRCh37 (hg19) VCF-style: chr12-32994006-AC-A.
Other names: c.1643delG (NM_004572.3); c.1643del, p.Gly548fs (NM_004572.4); short protein forms G504fs, G548fs.
Identifiers: ClinVar variation 202035 (VCV000202035.42), dbSNP rs794729137, ClinGen allele CA011269.